The following is an entry in ClinVar:

NM_000455.5(STK11):c.1099A>G (p.Thr367Ala)

Genes: STK11 (serine/threonine kinase 11; plus strand), LOC130062899 (ATAC-STARR-seq lymphoblastoid active region 13597; plus strand). Cytogenetic location: 19p13.3.
Variant type: single nucleotide variant.
Coding change: c.1099A>G on transcript NM_000455.5 (MANE Select); coding-DNA position 1099, A replaced by G.
Protein change: p.Thr367Ala; replaces threonine 367 with alanine.
Molecular consequence: missense variant.
Genome position (GRCh38, 1-based): chr19:1,223,163, A>G. VCF-style: chr19-1223163-A-G. GRCh37 (hg19) VCF-style: chr19-1223162-A-G.
Other names: short protein forms T367A.
Identifiers: ClinVar variation 822164 (VCV000822164.12), dbSNP rs1599929579, ClinGen allele CA402951973.

ClinVar aggregate classification (germline): Uncertain significance. Review status: criteria provided, multiple submitters, no conflicts (2 of 4 stars). 2 submissions from 2 submitters: Uncertain significance (2). Last evaluated 2021-01-31.

Conditions:
Peutz-Jeghers syndrome (PJS). Also called: Peutz-Jeghers polyposis; Periorificial lentiginosis syndrome; POLYPOSIS, HAMARTOMATOUS INTESTINAL; POLYPS-AND-SPOTS SYNDROME. Identifiers: Orphanet 2869, MedGen C0031269, MeSH D010580, MONDO:0008280, OMIM 175200.
Hereditary cancer-predisposing syndrome. Also called: Hereditary Cancer Syndrome; Neoplastic Syndromes, Hereditary; Hereditary neoplastic syndrome; Tumor predisposition. Identifiers: Orphanet 140162, MedGen C0027672, MeSH D009386, MONDO:0015356.

Submissions (2):

Labcorp Genetics (formerly Invitae), Labcorp
Classification: Uncertain significance for Peutz-Jeghers syndrome. Last evaluated: 2021-01-31. Review status: criteria provided, single submitter. Criteria: Invitae Variant Classification Sherloc (09022015). Collection method: clinical testing. Allele origin: germline.
Comment: In summary, the available evidence is currently insufficient to determine the role of this variant in disease. Therefore, it has been classified as a Variant of Uncertain Significance. Advanced modeling of protein sequence and biophysical properties (such as structural, functional, and spatial information, amino acid conservation, physicochemical variation, residue mobility, and thermodynamic stability) performed at Invitae indicates that this missense variant is not expected to disrupt STK11 protein function. This variant has not been reported in the literature in individuals with STK11-related conditions. ClinVar contains an entry for this variant (Variation ID: 822164). This variant is not present in population databases (ExAC no frequency). This sequence change replaces threonine with alanine at codon 367 of the STK11 protein (p.Thr367Ala). The threonine residue is highly conserved and there is a small physicochemical difference between threonine and alanine.

Ambry Genetics
Classification: Uncertain significance for Hereditary cancer-predisposing syndrome. Last evaluated: 2018-03-26. Review status: criteria provided, single submitter. Criteria: Ambry Variant Classification Scheme 2023. Collection method: clinical testing. Allele origin: germline.
Comment: The p.T367A variant (also known as c.1099A>G), located in coding exon 8 of the STK11 gene, results from an A to G substitution at nucleotide position 1099. The threonine at codon 367 is replaced by alanine, an amino acid with similar properties. This amino acid position is highly conserved in available vertebrate species. In addition, this alteration is predicted to be tolerated by in silico analysis. Since supporting evidence is limited at this time, the clinical significance of this alteration remains unclear.